The following is an entry in ClinVar:

NM_001190274.2(FBXO11):c.949G>A (p.Ala317Thr)

Gene: FBXO11 (F-box protein 11; minus strand). Cytogenetic location: 2p16.3.
Variant type: single nucleotide variant.
Coding change: c.949G>A on transcript NM_001190274.2 (MANE Select); coding-DNA position 949, G replaced by A.
Protein change: p.Ala317Thr; replaces alanine 317 with threonine.
Molecular consequence: missense variant.
Genome position (GRCh38, 1-based): chr2:47,833,056, C>T on the plus strand (G>A on the coding strand, the complement: FBXO11 is on the minus strand). VCF-style: chr2-47833056-C-T. GRCh37 (hg19) VCF-style: chr2-48060195-C-T.
Other names: c.697G>A, p.Ala233Thr (NM_001374325.1, NM_025133.4); short protein forms A233T, A317T.
Identifiers: ClinVar variation 2759473 (VCV002759473.3), dbSNP rs1168901876, ClinGen allele CA346766223.

ClinVar aggregate classification (germline): Uncertain significance (1 of 4 stars; one submission).

Allele frequency attached by ClinVar (database versions not stated): gnomAD exomes below 0.00001.
gnomAD v4.1: 1 of 1,611,706 alleles (0.000062%); highest among the groups gnomAD compares: South Asian, 0.0011%; no homozygotes.

Submission:

Labcorp Genetics (formerly Invitae), Labcorp
Classification: Uncertain significance. Last evaluated: 2023-09-10. Review status: criteria provided, single submitter. Criteria: Invitae Variant Classification Sherloc (09022015). Collection method: clinical testing. Allele origin: germline.
Comment: This sequence change replaces alanine, which is neutral and non-polar, with threonine, which is neutral and polar, at codon 317 of the FBXO11 protein (p.Ala317Thr). This variant is present in population databases (no rsID available, gnomAD 0.003%). This variant has not been reported in the literature in individuals affected with FBXO11-related conditions. An algorithm developed to predict the effect of missense changes on protein structure and function (PolyPhen-2) suggests that this variant is likely to be tolerated. In summary, the available evidence is currently insufficient to determine the role of this variant in disease. Therefore, it has been classified as a Variant of Uncertain Significance.